The following is an entry in ClinVar:

NM_001367624.2(ZNF469):c.9745G>T (p.Ala3249Ser)

Gene: ZNF469 (zinc finger protein 469; plus strand). Cytogenetic location: 16q24.2.
Variant type: single nucleotide variant.
Coding change: c.9745G>T on transcript NM_001367624.2 (MANE Select); coding-DNA position 9745, G replaced by T.
Protein change: p.Ala3249Ser; replaces alanine 3249 with serine.
Molecular consequence: missense variant.
Genome position (GRCh38, 1-based): chr16:88,437,215, G>T. VCF-style: chr16-88437215-G-T. GRCh37 (hg19) VCF-style: chr16-88503623-G-T.
Other names: NM_001127464.1:c.9661G>T; short protein forms A3249S.
Identifiers: ClinVar variation 3361296 (VCV003361296.1).
Genomic context (GRCh38, chr16:88,437,215, plus strand): 5'-AACAGCATCACGGAACCCGCGCCCAAACACCACAGGGGCAAGCGCTCCGCCGGCAAGGCC[G>T]CCGGGAGCCCGGGAGACCCGTGGGGGCAAGAGGGAGAAGCCAAGAAAGACAGCCCGGGCG-3'
Protein context (NP_001354553.1, residues 3239-3259): HRGKRSAGKA[Ala3249Ser]GSPGDPWGQE

ClinVar aggregate classification (germline): Uncertain significance (1 of 4 stars; one submission).

gnomAD v4.1: 2 of 1,549,378 alleles (0.00013%); highest among the groups gnomAD compares: East Asian, 0.0024%; no homozygotes.

Submission:

GeneDx
Classification: Uncertain significance. Last evaluated: 2023-07-18. Review status: criteria provided, single submitter. Criteria: GeneDx Variant Classification Process June 2021. Collection method: clinical testing. Allele origin: germline. Affected: yes.
Comment: Not observed at significant frequency in large population cohorts (gnomAD); In silico analysis supports that this missense variant does not alter protein structure/function; Has not been previously published as pathogenic or benign to our knowledge